The following is an entry in ClinVar:

NM_018838.5(NDUFA12):c.333G>A (p.Thr111=)

Gene: NDUFA12 (NADH:ubiquinone oxidoreductase subunit A12; minus strand). Cytogenetic location: 12q22.
Variant type: single nucleotide variant.
Coding change: c.333G>A on transcript NM_018838.5 (MANE Select); coding-DNA position 333, G replaced by A.
Protein change: p.Thr111=; no amino-acid change (threonine 111 retained).
Molecular consequence: synonymous variant. On other transcripts: 3 prime UTR variant (1).
Genome position (GRCh38, 1-based): chr12:94,971,545, C>T on the plus strand (G>A on the coding strand, the complement: NDUFA12 is on the minus strand). VCF-style: chr12-94971545-C-T. GRCh37 (hg19) VCF-style: chr12-95365321-C-T.
Other names: c.*53G>A (NM_001258338.2).
Identifiers: ClinVar variation 378239 (VCV000378239.10), dbSNP rs140708407, ClinGen allele CA6722509.
Genomic context (GRCh38, chr12:94,971,545, plus strand): 5'-TCTAGTGGTAGAATAAGGTACATATTGTTCTGGGGTGCCAGTCACGTTGAATTTATGGTT[C>T]GTCCAAATGAATTTACGAGCAGTAAGTGGTTTTGTTGTTGGAGGATCATCAGTCATACTG-3'
Protein context (NP_061326.1, residues 101-121): KPLTARKFIW[Thr111=]NHKFNVTGTP

ClinVar aggregate classification (germline): Likely benign. Review status: criteria provided, multiple submitters, no conflicts (2 of 4 stars). 3 submissions from 3 submitters: Likely benign (3). Last evaluated 2024-10-09.

Allele frequency attached by ClinVar (database versions not stated): ESP Exome Variant Server 0.00008; ExAC 0.00010; TOPMed 0.00011; gnomAD 0.00013; gnomAD exomes 0.00014.
gnomAD v4.1: 386 of 1,614,098 alleles (0.024%); highest among the groups gnomAD compares: Non-Finnish European, 0.03%; no homozygotes.

Submissions (3):

Blueprint Genetics
Classification: Likely benign. Last evaluated: 2024-10-09. Review status: criteria provided, single submitter. Criteria: ACMG Guidelines, 2015. Collection method: clinical testing. Allele origin: germline.

Labcorp Genetics (formerly Invitae), Labcorp
Classification: Likely benign. Last evaluated: 2024-01-22. Review status: criteria provided, single submitter. Criteria: Invitae Variant Classification Sherloc (09022015). Collection method: clinical testing. Allele origin: germline.

GeneDx
Classification: Likely benign. Last evaluated: 2017-03-20. Review status: criteria provided, single submitter. Criteria: GeneDx Variant Classification (06012015). Collection method: clinical testing. Allele origin: germline. Affected: yes.
Comment: This variant is considered likely benign or benign based on one or more of the following criteria: it is a conservative change, it occurs at a poorly conserved position in the protein, it is predicted to be benign by multiple in silico algorithms, and/or has population frequency not consistent with disease.